The following is an entry in ClinVar:

ClinVar aggregate classification (germline): Conflicting classifications of pathogenicity. Review status: criteria provided, conflicting classifications (1 of 4 stars). 7 submissions from 7 submitters: Uncertain significance (5); Likely benign (1). 1 of the submissions does not count toward it. Last evaluated 2026-02-04.

Conditions:
Hereditary cancer-predisposing syndrome. Also called: Tumor predisposition; Hereditary Cancer Syndrome; Neoplastic Syndromes, Hereditary; Hereditary neoplastic syndrome. Identifiers: Orphanet 140162, MedGen C0027672, MeSH D009386, MONDO:0015356.
Hereditary breast ovarian cancer syndrome. Also called: Hereditary breast and ovarian cancer; Breast and ovarian cancer; Hereditary breast and/or ovarian cancer syndrome; BRCA1- and BRCA2-Associated Hereditary Breast and Ovarian Cancer; Hereditary breast and ovarian cancer syndrome; Hereditary breast and ovarian cancer syndrome (HBOC). Identifiers: Orphanet 145, MedGen C0677776, MeSH D061325, MONDO:0003582. Disease mechanism: loss of function.
Breast-ovarian cancer, familial, susceptibility to, 2 (BROVCA2). Also called: BRCA2 Hereditary Breast and Ovarian Cancer. Identifiers: Orphanet 145, MedGen C2675520, MONDO:0012933, OMIM 612555. Disease mechanism: loss of function.
Familial cancer of breast. Also called: BREAST CANCER, FAMILIAL; Hereditary breast cancer; hereditary breast carcinoma. Identifiers: Orphanet 227535, MedGen C0346153, MONDO:0016419, OMIM 114480. Disease mechanism: loss of function.

Allele frequency attached by ClinVar (database versions not stated): ExAC 0.00001; gnomAD 0.00001; gnomAD exomes 0.00001.
gnomAD v4.1: 5 of 1,613,270 alleles (0.00031%); highest among the groups gnomAD compares: Admixed American, 0.0083%; no homozygotes.

Submissions (7):

Labcorp Genetics (formerly Invitae), Labcorp
Classification: Likely benign for Hereditary breast ovarian cancer syndrome. Last evaluated: 2026-02-04. Review status: criteria provided, single submitter. Criteria: Invitae Variant Classification Sherloc (09022015). Collection method: clinical testing. Allele origin: germline.

Ambry Genetics
Classification: Uncertain significance for Hereditary cancer-predisposing syndrome. Last evaluated: 2025-01-07. Review status: criteria provided, single submitter. Criteria: Ambry Variant Classification Scheme 2023. Collection method: clinical testing. Allele origin: germline.
Comment: The p.N2450I variant (also known as c.7349A>T), located in coding exon 13 of the BRCA2 gene, results from an A to T substitution at nucleotide position 7349. The asparagine at codon 2450 is replaced by isoleucine, an amino acid with dissimilar properties. This amino acid position is not well conserved in available vertebrate species. In addition, this alteration is predicted to be tolerated by in silico analysis. Since supporting evidence is limited at this time, the clinical significance of this alteration remains unclear.

Baylor Genetics
Classification: Uncertain significance for Familial cancer of breast. Last evaluated: 2023-12-15. Review status: criteria provided, single submitter. Criteria: ACMG Guidelines, 2015. Collection method: clinical testing. Allele origin: unknown.

All of Us Research Program, National Institutes of Health
Classification: Uncertain significance for Breast-ovarian cancer, familial, susceptibility to, 2. Last evaluated: 2023-12-13. Review status: criteria provided, single submitter. Criteria: ACMG Guidelines, 2015. Collection method: clinical testing. Allele origin: germline. Inheritance: Autosomal dominant inheritance. Observed: 1 variant allele, 1 heterozygote.
Comment: This missense variant replaces asparagine with isoleucine at codon 2450 of the BRCA2 protein. Computational prediction suggests that this variant may not impact protein structure and function (internally defined REVEL score threshold <= 0.5, PMID: 27666373). To our knowledge, functional studies have not been reported for this variant. This variant has not been reported in individuals affected with BRCA2-related disorders in the literature. This variant has been identified in 3/251124 chromosomes in the general population by the Genome Aggregation Database (gnomAD). The available evidence is insufficient to determine the role of this variant in disease conclusively. Therefore, this variant is classified as a Variant of Uncertain Significance.

This study involves interpretation of variants in research participants for the purpose of population health screening. Participant phenotype was not available at the time of variant classification. Additional details can be found in publication PMID: 35346344, PMCID: PMC8962531

Color Diagnostics, LLC DBA Color Health
Classification: Uncertain significance for Hereditary cancer-predisposing syndrome. Last evaluated: 2023-11-16. Review status: criteria provided, single submitter. Criteria: ACMG Guidelines, 2015. Collection method: clinical testing. Allele origin: germline.
Comment: This missense variant replaces asparagine with isoleucine at codon 2450 of the BRCA2 protein. Computational prediction suggests that this variant may not impact protein structure and function (internally defined REVEL score threshold <= 0.5, PMID: 27666373). To our knowledge, functional studies have not been reported for this variant. This variant has not been reported in individuals affected with BRCA2-related disorders in the literature. This variant has been identified in 3/251124 chromosomes in the general population by the Genome Aggregation Database (gnomAD). The available evidence is insufficient to determine the role of this variant in disease conclusively. Therefore, this variant is classified as a Variant of Uncertain Significance.

Women's Health and Genetics/Laboratory Corporation of America, LabCorp
Classification: Uncertain significance. Last evaluated: 2022-05-02. Review status: criteria provided, single submitter. Criteria: LabCorp Variant Classification Summary - May 2015. Collection method: clinical testing. Allele origin: germline.
Comment: Variant summary: BRCA2 c.7349A>T (p.Asn2450Ile) results in a non-conservative amino acid change in the encoded protein sequence. Three of five in-silico tools predict a benign effect of the variant on protein function. The variant allele was found at a frequency of 1.2e-05 in 251124 control chromosomes. The available data on variant occurrences in the general population are insufficient to allow any conclusion about variant significance. To our knowledge, no occurrence of c.7349A>T in individuals affected with Hereditary Breast And Ovarian Cancer Syndrome and no experimental evidence demonstrating its impact on protein function have been reported. Three clinical diagnostic laboratories have submitted clinical-significance assessments for this variant to ClinVar after 2014 without evidence for independent evaluation. All laboratories classified the variant as uncertain significance. Based on the evidence outlined above, the variant was classified as uncertain significance.

Sharing Clinical Reports Project (SCRP)
Classification: Uncertain significance for Breast-ovarian cancer, familial 2. Last evaluated: 2014-04-07. Review status: no assertion criteria provided. Collection method: clinical testing. Allele origin: germline. Not counted in ClinVar's aggregate classification.

NM_000059.4(BRCA2):c.7349A>T (p.Asn2450Ile)

Gene: BRCA2 (BRCA2 DNA repair associated; plus strand). Cytogenetic location: 13q13.1.
Variant type: single nucleotide variant.
Coding change: c.7349A>T on transcript NM_000059.4 (MANE Select); coding-DNA position 7349, A replaced by T.
Protein change: p.Asn2450Ile; replaces asparagine 2450 with isoleucine.
Molecular consequence: missense variant.
Genome position (GRCh38, 1-based): chr13:32,355,202, A>T. VCF-style: chr13-32355202-A-T. GRCh37 (hg19) VCF-style: chr13-32929339-A-T.
Other names: 7577A>T; short protein forms N2450I.
Identifiers: ClinVar variation 252844 (VCV000252844.23), dbSNP rs761505767, ClinGen allele CA6941083.